The following is an entry in ClinVar:

ClinVar aggregate classification (germline): Uncertain significance. Review status: criteria provided, multiple submitters, no conflicts (2 of 4 stars). 4 submissions from 4 submitters: Uncertain significance (4). Last evaluated 2026-07-20.

Conditions:
TTN-related disorder. Also called: TTN-related condition; TTN-related disease; TTN-related disorders.
Dilated cardiomyopathy 1G (CMD1G). Identifiers: Orphanet 154, MedGen C1858763, MONDO:0011400, OMIM 604145.
Autosomal recessive limb-girdle muscular dystrophy type 2J (LGMDR10). Also called: Limb-girdle muscular dystrophy, type 2J; MUSCULAR DYSTROPHY, LIMB-GIRDLE, AUTOSOMAL RECESSIVE 10. Identifiers: Orphanet 140922, MedGen C1837342, MONDO:0012127, OMIM 608807.

Allele frequency attached by ClinVar (database versions not stated): gnomAD exomes 0.00001 and 0.00002.
gnomAD v4.1: 21 of 1,614,010 alleles (0.0013%); highest among the groups gnomAD compares: Non-Finnish European, 0.0014%; no homozygotes.

Submissions (4):

PreventionGenetics, part of Exact Sciences
Classification: Uncertain significance for TTN-related condition. Last evaluated: 2026-07-20. Review status: criteria provided, single submitter. Criteria: ACMG Guidelines, 2015. Collection method: clinical testing. Allele origin: germline.
Comment: The TTN c.106831G>C variant is predicted to result in the amino acid substitution p.Ala35611Pro. To our knowledge, this variant has not been reported in the literature. This variant is reported in 0.0018% of alleles in individuals of European (Non-Finnish) descent in gnomAD. At this time, the clinical significance of this variant is uncertain due to the absence of conclusive functional and genetic evidence.

Labcorp Genetics (formerly Invitae), Labcorp
Classification: Uncertain significance for Dilated cardiomyopathy 1G; Autosomal recessive limb-girdle muscular dystrophy type 2J. Last evaluated: 2025-06-06. Review status: criteria provided, single submitter. Criteria: Invitae Variant Classification Sherloc (09022015). Collection method: clinical testing. Allele origin: germline.
Comment: This sequence change replaces alanine, which is neutral and non-polar, with proline, which is neutral and non-polar, at codon 35611 of the TTN protein (p.Ala35611Pro). This variant is present in population databases (no rsID available, gnomAD 0.002%). This variant has not been reported in the literature in individuals affected with TTN-related conditions. ClinVar contains an entry for this variant (Variation ID: 1020183). Experimental studies and prediction algorithms are not available or were not evaluated, and the functional significance of this variant is currently unknown. This variant is located in the M band of TTN (PMID: 25589632). Non-truncating variants in this region may be relevant for neuromuscular disorders, but have not been definitively shown to cause cardiomyopathy (PMID: 23975875). In summary, the available evidence is currently insufficient to determine the role of this variant in disease. Therefore, it has been classified as a Variant of Uncertain Significance.

GeneDx
Classification: Uncertain significance. Last evaluated: 2020-03-20. Review status: criteria provided, single submitter. Criteria: GeneDx Variant Classification Process June 2021. Collection method: clinical testing. Allele origin: germline. Affected: yes.
Comment: Not observed at a significant frequency in large population cohorts (Lek et al., 2016); Missense variant in a gene in which most reported pathogenic variants are truncating/loss-of-function; Has not been previously published as pathogenic or benign to our knowledge

Revvity Omics, Revvity
Classification: Uncertain significance. Last evaluated: 2019-01-24. Review status: criteria provided, single submitter. Criteria: ACMG Guidelines, 2015. Collection method: clinical testing. Allele origin: germline.

Literature cited by the submitters: PubMed 25589632 (cited by Labcorp Genetics (formerly Invitae), Labcorp); PubMed 23975875 (cited by Labcorp Genetics (formerly Invitae), Labcorp).

NM_001267550.2(TTN):c.106831G>C (p.Ala35611Pro)

Genes: TTN (titin; minus strand), TTN-AS1 (TTN antisense RNA 1; plus strand). Cytogenetic location: 2q31.2.
Variant type: single nucleotide variant.
Coding change: c.106831G>C on transcript NM_001267550.2 (MANE Select); coding-DNA position 106831, G replaced by C.
Protein change: p.Ala35611Pro; replaces alanine 35611 with proline.
Molecular consequence: missense variant.
Genome position (GRCh38, 1-based): chr2:178,528,920, C>G on the plus strand (G>C on the coding strand, the complement: TTN is on the minus strand). VCF-style: chr2-178528920-C-G. GRCh37 (hg19) VCF-style: chr2-179393647-C-G.
Other names: c.101908G>C, p.Ala33970Pro (NM_001256850.1); c.79636G>C, p.Ala26546Pro (NM_003319.4); c.99127G>C, p.Ala33043Pro (NM_133378.4); c.80011G>C, p.Ala26671Pro (NM_133432.3); c.80212G>C, p.Ala26738Pro (NM_133437.4); short protein forms A26546P, A26671P, A26738P, A33043P, A33970P, A35611P.
Identifiers: ClinVar variation 1020183 (VCV001020183.13), dbSNP rs1304855425, ClinGen allele CA349402933.